The following is an entry in ClinVar:

ClinVar aggregate classification (germline): Uncertain significance. Review status: criteria provided, multiple submitters, no conflicts (2 of 4 stars). 3 submissions from 3 submitters: Uncertain significance (2). 1 of the submissions does not count toward it. Last evaluated 2019-11-18.

Conditions:
Cohen syndrome (COH1). Also called: PEPPER SYNDROME; Cutis verticis gyrata, retinitis pigmentosa, and sensorineural deafness. Identifiers: Orphanet 193, MedGen C0265223, MONDO:0008999, OMIM 216550.
VPS13B-related disorder. Also called: VPS13B-related condition.

Allele frequency attached by ClinVar (database versions not stated): gnomAD exomes 0.00001 and 0.00002; TOPMed 0.00002; gnomAD 0.00005 and 0.00006.
gnomAD v4.1: 15 of 1,614,086 alleles (0.00093%); highest among the groups gnomAD compares: Admixed American, 0.023%; no homozygotes.

Submissions (3):

Labcorp Genetics (formerly Invitae), Labcorp
Classification: Uncertain significance for Cohen syndrome. Last evaluated: 2019-11-18. Review status: criteria provided, single submitter. Criteria: Invitae Variant Classification Sherloc (09022015). Collection method: clinical testing. Allele origin: germline.
Comment: This sequence change replaces serine with asparagine at codon 3841 of the VPS13B protein (p.Ser3841Asn). The serine residue is weakly conserved and there is a small physicochemical difference between serine and asparagine. This variant is not present in population databases (ExAC no frequency). This variant has not been reported in the literature in individuals with VPS13B-related conditions. Algorithms developed to predict the effect of missense changes on protein structure and function (SIFT, PolyPhen-2, Align-GVGD) all suggest that this variant is likely to be tolerated, but these predictions have not been confirmed by published functional studies and their clinical significance is uncertain. In summary, the available evidence is currently insufficient to determine the role of this variant in disease. Therefore, it has been classified as a Variant of Uncertain Significance.

Illumina Laboratory Services, Illumina
Classification: Uncertain significance for Cohen syndrome. Last evaluated: 2018-02-16. Review status: criteria provided, single submitter. Criteria: ICSL Variant Classification Criteria 13 December 2019. Collection method: clinical testing. Allele origin: germline.

PreventionGenetics, part of Exact Sciences
Classification: Uncertain significance for VPS13B-related condition. Last evaluated: 2024-04-03. Review status: no assertion criteria provided. Collection method: clinical testing. Allele origin: germline. Not counted in ClinVar's aggregate classification.
Comment: The VPS13B c.11447G>A variant is predicted to result in the amino acid substitution p.Ser3816Asn. To our knowledge, this variant has not been reported in the literature. This variant is reported in 0.014% of alleles in individuals of Latino descent in gnomAD. At this time, the clinical significance of this variant is uncertain due to the absence of conclusive functional and genetic evidence.

NM_152564.5(VPS13B):c.11447G>A (p.Ser3816Asn)

Gene: VPS13B (vacuolar protein sorting 13 homolog B; plus strand). Cytogenetic location: 8q22.2.
Variant type: single nucleotide variant.
Coding change: c.11447G>A on transcript NM_152564.5 (MANE Select); coding-DNA position 11447, G replaced by A.
Protein change: p.Ser3816Asn; replaces serine 3816 with asparagine.
Molecular consequence: missense variant.
Genome position (GRCh38, 1-based): chr8:99,870,839, G>A. VCF-style: chr8-99870839-G-A. GRCh37 (hg19) VCF-style: chr8-100883067-G-A.
Other names: c.11522G>A, p.Ser3841Asn (NM_017890.5); c.11447G>A (NM_152564.4); short protein forms S3841N, S3816N.
Identifiers: ClinVar variation 846920 (VCV000846920.7), dbSNP rs1419202718, ClinGen allele CA371793652.